The following is an entry in ClinVar:

NM_022124.6(CDH23):c.5125C>T (p.Leu1709=)

Gene: CDH23 (cadherin related 23; plus strand). Cytogenetic location: 10q22.1.
Variant type: single nucleotide variant.
Coding change: c.5125C>T on transcript NM_022124.6 (MANE Select); coding-DNA position 5125, C replaced by T.
Protein change: p.Leu1709=; no amino-acid change (leucine 1709 retained).
Molecular consequence: synonymous variant.
Genome position (GRCh38, 1-based): chr10:71,778,246, C>T. VCF-style: chr10-71778246-C-T. GRCh37 (hg19) VCF-style: chr10-73538003-C-T.
Identifiers: ClinVar variation 748336 (VCV000748336.12), dbSNP rs369100053, ClinGen allele CA5545651.
Genomic context (GRCh38, chr10:71,778,246, plus strand): 5'-CAGGGTGTCATCACTGCTGCCAAAGAGCTGGACTACGAGATCAGCCACGGCCGCTACACC[C>T]TGATCGTCACTGCCACAGACCAGTGCCCCATCTTATCCCACCGCCTCACCTCTACCACCA-3'
Protein context (NP_071407.4, residues 1699-1719): DYEISHGRYT[Leu1709=]IVTATDQCPI

ClinVar aggregate classification (germline): Likely benign. Review status: criteria provided, multiple submitters, no conflicts (2 of 4 stars). 2 submissions from 2 submitters: Likely benign (2). Last evaluated 2025-04-30.

Conditions:
CDH23-related disorder. Also called: CDH23-related disorders; CDH23-related condition.

Allele frequency attached by ClinVar (database versions not stated): gnomAD exomes 0.00001 and 0.00004; ExAC 0.00006; gnomAD 0.00013 and 0.00015; TOPMed 0.00013; ESP Exome Variant Server 0.00016; 1000 Genomes Project 0.00020; 1000 Genomes Project 30x 0.00047.
gnomAD v4.1: 33 of 1,613,942 alleles (0.002%); highest among the groups gnomAD compares: African/African-American, 0.037%; no homozygotes.

Submissions (2):

Labcorp Genetics (formerly Invitae), Labcorp
Classification: Likely benign. Last evaluated: 2025-04-30. Review status: criteria provided, single submitter. Criteria: Invitae Variant Classification Sherloc (09022015). Collection method: clinical testing. Allele origin: germline.

PreventionGenetics, part of Exact Sciences
Classification: Likely benign for CDH23-related condition. Last evaluated: 2024-12-13. Review status: criteria provided, single submitter. Criteria: ACMG Guidelines, 2015. Collection method: clinical testing. Allele origin: germline.
Comment: This variant is classified as likely benign based on ACMG/AMP sequence variant interpretation guidelines (Richards et al. 2015 PMID: 25741868, with internal and published modifications).